The following is an entry in ClinVar:

ClinVar aggregate classification (germline): Uncertain significance (1 of 4 stars; one submission).

Conditions:
5-Oxoprolinase deficiency (OPLAHD). Also called: 5-OXOPROLINURIA DUE TO 5-OXOPROLINASE DEFICIENCY. Identifiers: Orphanet 33572, MedGen C0268525, MONDO:0009825, OMIM 260005, HP:0040142.

Allele frequency attached by ClinVar (database versions not stated): TOPMed below 0.00001.
gnomAD v4.1: 5 of 1,589,670 alleles (0.00031%); highest among the groups gnomAD compares: Non-Finnish European, 0.00043%; no homozygotes.

Submission:

Labcorp Genetics (formerly Invitae), Labcorp
Classification: Uncertain significance for 5-Oxoprolinase deficiency. Last evaluated: 2025-10-22. Review status: criteria provided, single submitter. Criteria: Invitae Variant Classification Sherloc (09022015). Collection method: clinical testing. Allele origin: germline.
Comment: This sequence change replaces arginine, which is basic and polar, with histidine, which is basic and polar, at codon 1173 of the OPLAH protein (p.Arg1173His). The frequency data for this variant in the population databases is considered unreliable, as metrics indicate poor data quality at this position in the gnomAD database. This variant has not been reported in the literature in individuals affected with OPLAH-related conditions. ClinVar contains an entry for this variant (Variation ID: 661332). Experimental studies and prediction algorithms are not available or were not evaluated, and the functional significance of this variant is currently unknown. In summary, the available evidence is currently insufficient to determine the role of this variant in disease. Therefore, it has been classified as a Variant of Uncertain Significance.

NM_017570.5(OPLAH):c.3518G>A (p.Arg1173His)

Gene: OPLAH (5-oxoprolinase, ATP-hydrolysing; minus strand). Cytogenetic location: 8q24.3.
Variant type: single nucleotide variant.
Coding change: c.3518G>A on transcript NM_017570.5 (MANE Select); coding-DNA position 3518, G replaced by A.
Protein change: p.Arg1173His; replaces arginine 1173 with histidine.
Molecular consequence: missense variant.
Genome position (GRCh38, 1-based): chr8:144,052,020, C>T on the plus strand (G>A on the coding strand, the complement: OPLAH is on the minus strand). VCF-style: chr8-144052020-C-T. GRCh37 (hg19) VCF-style: chr8-145106921-C-T.
Other names: short protein forms R1173H.
Identifiers: ClinVar variation 661332 (VCV000661332.2), dbSNP rs782094303, ClinGen allele CA4931119.